The following is an entry in ClinVar:

NM_032590.5(KDM2B):c.2499G>A (p.Pro833=)

Gene: KDM2B (lysine demethylase 2B; minus strand). Cytogenetic location: 12q24.31.
Variant type: single nucleotide variant.
Coding change: c.2499G>A on transcript NM_032590.5 (MANE Select); coding-DNA position 2499, G replaced by A.
Protein change: p.Pro833=; no amino-acid change (proline 833 retained).
Molecular consequence: synonymous variant. On other transcripts: intron variant (1).
Genome position (GRCh38, 1-based): chr12:121,443,746, C>T on the plus strand (G>A on the coding strand, the complement: KDM2B is on the minus strand). VCF-style: chr12-121443746-C-T. GRCh37 (hg19) VCF-style: chr12-121881549-C-T.
Other names: c.2358+266G>A (NM_001005366.2).
Identifiers: ClinVar variation 3351888 (VCV003351888.1).
Genomic context (GRCh38, chr12:121,443,746, plus strand): 5'-CTGGAAGTAAGTGAGACTGGATCTCCACCAGGGGCTGAGGCTGCTGCCTAGAGGGGGCCT[C>T]GGCGAGAGGTGAGAGGAGGAACCGGGGGACGTTTGAAGCGATGAGGCCTAAAGGGGGGTG-3'
Protein context (NP_115979.3, residues 823-843): TSPGSSSHLS[Pro833=]RPPLGSSLSP

ClinVar aggregate classification (germline): Likely benign (0 of 4 stars; one submission).

Conditions:
KDM2B-related disorder. Also called: KDM2B-related condition.

gnomAD v4.1: 232 of 1,610,590 alleles (0.014%); highest among the groups gnomAD compares: Non-Finnish European, 0.018%; no homozygotes.

Submission:

PreventionGenetics, part of Exact Sciences
Classification: Likely benign for KDM2B-related condition. Last evaluated: 2024-08-15. Review status: no assertion criteria provided. Collection method: clinical testing. Allele origin: germline.
Comment: This variant is classified as likely benign based on ACMG/AMP sequence variant interpretation guidelines (Richards et al. 2015 PMID: 25741868, with internal and published modifications).